The following is an entry in ClinVar:

NM_001287491.2(TET3):c.3760A>G (p.Met1254Val)

Gene: TET3 (tet methylcytosine dioxygenase 3; plus strand). Cytogenetic location: 2p13.1.
Variant type: single nucleotide variant.
Coding change: c.3760A>G on transcript NM_001287491.2 (MANE Select); coding-DNA position 3760, A replaced by G.
Protein change: p.Met1254Val; replaces methionine 1254 with valine.
Molecular consequence: missense variant.
Genome position (GRCh38, 1-based): chr2:74,100,548, A>G. VCF-style: chr2-74100548-A-G. GRCh37 (hg19) VCF-style: chr2-74327675-A-G.
Other names: c.3481A>G, p.Met1161Val (NM_001366022.1); c.3355A>G, p.Met1119Val (NM_144993.1); short protein forms M1119V, M1161V, M1254V.
Identifiers: ClinVar variation 3041631 (VCV003041631.17), dbSNP rs202228884, ClinGen allele CA1719085.

ClinVar aggregate classification (germline): Likely benign. Review status: criteria provided, single submitter (1 of 4 stars). 2 submissions from 2 submitters: Likely benign (1). 1 of the submissions does not count toward it. Last evaluated 2025-05-01.

Conditions:
TET3-related disorder. Also called: TET3-Related Disease; TET3-related condition.

Allele frequency attached by ClinVar (database versions not stated): 1000 Genomes Project 30x 0.00016; 1000 Genomes Project 0.00020; gnomAD 0.00098; TOPMed 0.00114; ExAC 0.00142; ESP Exome Variant Server 0.00148; gnomAD exomes 0.00159.

Submissions (2):

CeGaT Center for Human Genetics Tuebingen
Classification: Likely benign. Last evaluated: 2025-05-01. Review status: criteria provided, single submitter. Criteria: CeGaT Center For Human Genetics Tuebingen Variant Classification Criteria Version 2. Collection method: clinical testing. Allele origin: germline. Affected: yes. Observed: 4 variant alleles.
Comment: TET3: BP4, BS1

PreventionGenetics, part of Exact Sciences
Classification: Likely benign for TET3-related condition. Last evaluated: 2022-06-09. Review status: no assertion criteria provided. Collection method: clinical testing. Allele origin: germline. Not counted in ClinVar's aggregate classification.
Comment: This variant is classified as likely benign based on ACMG/AMP sequence variant interpretation guidelines (Richards et al. 2015 PMID: 25741868, with internal and published modifications).